The following is an entry in ClinVar:

NC_000009.11:g.(126129637_126129851)_(126136200_126136857)del

Gene: CRB2 (crumbs cell polarity complex component 2; plus strand). Cytogenetic location: 9q33.3.
Variant type: Deletion.
Identifiers: ClinVar variation 2506114 (VCV002506114.1).

ClinVar aggregate classification (germline): Likely pathogenic (1 of 4 stars; one submission).

Conditions:
Focal segmental glomerulosclerosis 9 (FSGS9). Identifiers: Orphanet 656, MedGen C4015555, MONDO:0014539, OMIM 616220.

Submission:

Women's Health and Genetics/Laboratory Corporation of America, LabCorp
Classification: Likely pathogenic for Focal segmental glomerulosclerosis 9. Last evaluated: 2023-05-24. Review status: criteria provided, single submitter. Criteria: LabCorp Variant Classification Summary - May 2015. Collection method: clinical testing. Allele origin: germline.
Comment: Variant summary: The variant identified by MLPA or other technology involves the deletion of exons 6-10 in the CRB2 gene. A presumed nomenclature of c.(940+1_941-1)_(3389+1_3390-1)del has been designated for the purposes of this classification. Although exact breakpoints of this deletion are not known, it is expected to result in a frameshift in the CRB2 gene, a known mechanism of disease. The variant was absent in 21678 control chromosomes (gnomAD Structural Variants dataset). To our knowledge, no occurrence of c.(940+1_941-1)_(3389+1_3390-1)del in individuals affected with Focal Segmental Glomerulosclerosis 9 and no experimental evidence demonstrating its impact on protein function have been reported. No clinical diagnostic laboratories have submitted clinical-significance assessments for this variant to ClinVar after 2014. Based on the evidence outlined above, the variant was classified as likely pathogenic.